The following is an entry in ClinVar:

ClinVar aggregate classification (germline): Uncertain significance (1 of 4 stars; one submission).

Conditions:
MHC class II deficiency. Also called: Bare lymphocyte syndrome 2; BLS, TYPE II. Identifiers: Orphanet 572, MedGen C5447452, MONDO:0008855.

Allele frequency attached by ClinVar (database versions not stated): TOPMed 0.00002; ExAC 0.00003; gnomAD 0.00003.
gnomAD v4.1: 35 of 1,613,220 alleles (0.0022%); highest among the groups gnomAD compares: Admixed American, 0.0083%; no homozygotes.

Submission:

Labcorp Genetics (formerly Invitae), Labcorp
Classification: Uncertain significance for MHC class II deficiency. Last evaluated: 2021-08-30. Review status: criteria provided, single submitter. Criteria: Invitae Variant Classification Sherloc (09022015). Collection method: clinical testing. Allele origin: germline.
Comment: This sequence change replaces alanine with threonine at codon 631 of the CIITA protein (p.Ala631Thr). The alanine residue is moderately conserved and there is a small physicochemical difference between alanine and threonine. This variant is present in population databases (rs776090698, ExAC 0.01%). This variant has not been reported in the literature in individuals affected with CIITA-related conditions. Algorithms developed to predict the effect of missense changes on protein structure and function output the following: SIFT: "Tolerated"; PolyPhen-2: "Benign"; Align-GVGD: "Class C0". The threonine amino acid residue is found in multiple mammalian species, which suggests that this missense change does not adversely affect protein function. In summary, the available evidence is currently insufficient to determine the role of this variant in disease. Therefore, it has been classified as a Variant of Uncertain Significance.

NM_000246.4(CIITA):c.1891G>A (p.Ala631Thr)

Gene: CIITA (class II major histocompatibility complex transactivator; plus strand). Cytogenetic location: 16p13.13.
Variant type: single nucleotide variant.
Coding change: c.1891G>A on transcript NM_000246.4 (MANE Select); coding-DNA position 1891, G replaced by A.
Protein change: p.Ala631Thr; replaces alanine 631 with threonine.
Molecular consequence: missense variant. On other transcripts: intron variant (1).
Genome position (GRCh38, 1-based): chr16:10,907,383, G>A. VCF-style: chr16-10907383-G-A. GRCh37 (hg19) VCF-style: chr16-11001240-G-A.
Other names: c.1894G>A, p.Ala632Thr (NM_001286402.1, NM_001379332.1); c.1747G>A, p.Ala583Thr (NM_001379330.1); c.1744G>A, p.Ala582Thr (NM_001379331.1); c.1891G>A, p.Ala631Thr (NM_001379333.1); c.1822G>A, p.Ala608Thr (NM_001379334.1); c.860-1600G>A (NM_001286403.2); short protein forms A608T, A631T, A632T, A583T, A582T.
Identifiers: ClinVar variation 2146887 (VCV002146887.1), dbSNP rs776090698, ClinGen allele CA7900238.